The following is an entry in ClinVar:

NM_014712.3(SETD1A):c.518-10C>T

Gene: SETD1A (SET domain containing 1A, histone lysine methyltransferase; plus strand). Cytogenetic location: 16p11.2.
Variant type: single nucleotide variant.
Coding change: c.518-10C>T on transcript NM_014712.3 (MANE Select); 10 bases into the intron before coding-DNA position 518, C replaced by T.
Molecular consequence: intron variant.
Genome position (GRCh38, 1-based): chr16:30,963,423, C>T. VCF-style: chr16-30963423-C-T. GRCh37 (hg19) VCF-style: chr16-30974744-C-T.
Identifiers: ClinVar variation 789225 (VCV000789225.36), dbSNP rs188466719, ClinGen allele CA8016408.

ClinVar aggregate classification (germline): Benign. Review status: criteria provided, multiple submitters, no conflicts (2 of 4 stars). 3 submissions from 3 submitters: Benign (3). Last evaluated 2026-09-01.

Allele frequency attached by ClinVar (database versions not stated): 1000 Genomes Project 0.00220; 1000 Genomes Project 30x 0.00234; TOPMed 0.00678; ExAC 0.00695; gnomAD exomes 0.00696 and 0.01008; gnomAD 0.00740 and 0.00772; ESP Exome Variant Server 0.00816.
gnomAD v4.1: 15,560 of 1,588,202 alleles (0.98%); highest among the groups gnomAD compares: Non-Finnish European, 1.2%; 89 homozygotes.

Submissions (3):

CeGaT Center for Human Genetics Tuebingen
Classification: Benign. Last evaluated: 2026-09-01. Review status: criteria provided, single submitter. Criteria: CeGaT Center For Human Genetics Tuebingen Variant Classification Criteria Version 2. Collection method: clinical testing. Allele origin: germline. Affected: yes. Observed: 41 variant alleles.
Comment: SETD1A: BS1, BS2

Labcorp Genetics (formerly Invitae), Labcorp
Classification: Benign. Last evaluated: 2019-12-31. Review status: criteria provided, single submitter. Criteria: Invitae Variant Classification Sherloc (09022015). Collection method: clinical testing. Allele origin: germline.

Breakthrough Genomics
Classification: Benign. Review status: criteria provided, single submitter. Criteria: ACMG Guidelines, 2015. Collection method: not provided. Allele origin: germline. Inheritance: Autosomal dominant inheritance. Affected: yes.